The following is an entry in ClinVar:

NM_001363.5(DKC1):c.244G>C (p.Glu82Gln)

Gene: DKC1 (dyskerin pseudouridine synthase 1; plus strand). Cytogenetic location: Xq28.
Variant type: single nucleotide variant.
Coding change: c.244G>C on transcript NM_001363.5 (MANE Select); coding-DNA position 244, G replaced by C.
Protein change: p.Glu82Gln; replaces glutamic acid 82 with glutamine.
Molecular consequence: missense variant. On other transcripts: non-coding transcript variant (3).
Genome position (GRCh38, 1-based): chrX:154,765,979, G>C. VCF-style: chrX-154765979-G-C. GRCh37 (hg19) VCF-style: chrX-153994254-G-C.
Other names: c.244G>C, p.Glu82Gln (NM_001142463.3, NM_001288747.2); short protein forms E82Q.
Identifiers: ClinVar variation 2086247 (VCV002086247.4), dbSNP rs897094414, ClinGen allele CA337308315.

ClinVar aggregate classification (germline): Uncertain significance (1 of 4 stars; one submission).

Conditions:
Dyskeratosis congenita. Identifiers: Orphanet 1775, MedGen C0265965, MONDO:0015780.

Allele frequency attached by ClinVar (database versions not stated): gnomAD exomes below 0.00001; gnomAD 0.00001.
gnomAD v4.1: 4 of 1,201,029 alleles (0.00033%); highest among the groups gnomAD compares: Non-Finnish European, 0.00045%; no homozygotes.

Submission:

Labcorp Genetics (formerly Invitae), Labcorp
Classification: Uncertain significance for Dyskeratosis congenita. Last evaluated: 2022-01-07. Review status: criteria provided, single submitter. Criteria: Invitae Variant Classification Sherloc (09022015). Collection method: clinical testing. Allele origin: germline.
Comment: In summary, the available evidence is currently insufficient to determine the role of this variant in disease. Therefore, it has been classified as a Variant of Uncertain Significance. Algorithms developed to predict the effect of missense changes on protein structure and function are either unavailable or do not agree on the potential impact of this missense change (SIFT: "Tolerated"; PolyPhen-2: "Possibly Damaging"; Align-GVGD: "Class C0"). This variant has not been reported in the literature in individuals affected with DKC1-related conditions. This variant is present in population databases (no rsID available, gnomAD 0.004%). This sequence change replaces glutamic acid, which is acidic and polar, with glutamine, which is neutral and polar, at codon 82 of the DKC1 protein (p.Glu82Gln).